The following is an entry in ClinVar:

ClinVar aggregate classification (germline): Uncertain significance (1 of 4 stars; one submission).

Conditions:
Spastic paraplegia. Identifiers: MedGen C0037772, HP:0001258.

Allele frequency attached by ClinVar (database versions not stated): gnomAD exomes below 0.00001.
gnomAD v4.1: 3 of 1,608,932 alleles (0.00019%); highest among the groups gnomAD compares: Non-Finnish European, 0.00025%; no homozygotes.

Submission:

Labcorp Genetics (formerly Invitae), Labcorp
Classification: Uncertain significance for Spastic paraplegia. Last evaluated: 2022-06-27. Review status: criteria provided, single submitter. Criteria: Invitae Variant Classification Sherloc (09022015). Collection method: clinical testing. Allele origin: germline.
Comment: This sequence change replaces glutamine, which is neutral and polar, with arginine, which is basic and polar, at codon 168 of the B4GALNT1 protein (p.Gln168Arg). In summary, the available evidence is currently insufficient to determine the role of this variant in disease. Therefore, it has been classified as a Variant of Uncertain Significance. Algorithms developed to predict the effect of missense changes on protein structure and function (SIFT, PolyPhen-2, Align-GVGD) all suggest that this variant is likely to be tolerated. This variant has not been reported in the literature in individuals affected with B4GALNT1-related conditions. This variant is not present in population databases (gnomAD no frequency).

NM_001478.5(B4GALNT1):c.503A>G (p.Gln168Arg)

Gene: B4GALNT1 (beta-1,4-N-acetyl-galactosaminyltransferase 1; minus strand). Cytogenetic location: 12q13.3.
Variant type: single nucleotide variant.
Coding change: c.503A>G on transcript NM_001478.5 (MANE Select); coding-DNA position 503, A replaced by G.
Protein change: p.Gln168Arg; replaces glutamine 168 with arginine.
Molecular consequence: missense variant.
Genome position (GRCh38, 1-based): chr12:57,630,506, T>C on the plus strand (A>G on the coding strand, the complement: B4GALNT1 is on the minus strand). VCF-style: chr12-57630506-T-C. GRCh37 (hg19) VCF-style: chr12-58024289-T-C.
Other names: c.338A>G, p.Gln113Arg (NM_001276468.2); c.503A>G, p.Gln168Arg (NM_001276469.2); short protein forms Q113R, Q168R.
Identifiers: ClinVar variation 1353588 (VCV001353588.6), dbSNP rs2140250034, ClinGen allele CA385500177.